The following is an entry in ClinVar:

NM_020964.3(EPG5):c.5305-2A>T

Gene: EPG5 (ectopic P-granules 5 autophagy tethering factor; minus strand). Cytogenetic location: 18q12.3.
Variant type: single nucleotide variant.
Coding change: c.5305-2A>T on transcript NM_020964.3 (MANE Select); the canonical splice acceptor site of the intron before coding-DNA position 5305, A replaced by T.
Molecular consequence: splice acceptor variant.
Genome position (GRCh38, 1-based): chr18:45,882,489, T>A on the plus strand (A>T on the coding strand, the complement: EPG5 is on the minus strand). VCF-style: chr18-45882489-T-A. GRCh37 (hg19) VCF-style: chr18-43462454-T-A.
Other names: c.5305-2A>T (NM_001410858.1, NM_001410859.1).
Identifiers: ClinVar variation 4988145 (VCV004988145.1).

ClinVar aggregate classification (germline): Likely pathogenic (1 of 4 stars; one submission).

Conditions:
EPG5-related disorder. Also called: EPG5-related condition. Identifiers: MedGen CN381528.

Submission:

PreventionGenetics, part of Exact Sciences
Classification: Likely pathogenic for EPG5-related condition. Last evaluated: 2026-03-18. Review status: criteria provided, single submitter. Criteria: ACMG Guidelines, 2015. Collection method: clinical testing. Allele origin: germline.
Comment: The EPG5 c.5305-2A>T variant is predicted to disrupt the AG splice acceptor site and interfere with normal splicing. To our knowledge, this variant has not been reported in the literature or in a large population database (gnomAD), indicating this variant is rare. Variants that disrupt the consensus splice acceptor site in EPG5 are expected to be pathogenic. This variant is interpreted as likely pathogenic.